The following is an entry in ClinVar:

NM_006517.3(SLC16A2):c.-3G>T

Gene: SLC16A2 (solute carrier family 16 member 2; plus strand). Cytogenetic location: Xq13.2.
Variant type: single nucleotide variant.
Coding change: c.-3G>T on transcript NM_006517.3; 3 bases upstream of the start codon, G replaced by T.
Genome position (GRCh38, 1-based): chrX:74,421,413, G>T. VCF-style: chrX-74421413-G-T. GRCh37 (hg19) VCF-style: chrX-73641248-G-T.
Identifiers: ClinVar variation 1736914 (VCV001736914.2), dbSNP rs1476887205, ClinGen allele CA642547836.

ClinVar aggregate classification (germline): Uncertain significance (1 of 4 stars; one submission).

Conditions:
Inborn genetic diseases. Identifiers: MedGen C0950123, MeSH D030342.

Allele frequency attached by ClinVar (database versions not stated): gnomAD exomes below 0.00001.

Submission:

Ambry Genetics
Classification: Uncertain significance for Inborn genetic diseases. Last evaluated: 2017-09-06. Review status: criteria provided, single submitter. Criteria: Ambry Variant Classification Scheme 2023. Collection method: clinical testing. Allele origin: germline.
Comment: The c.-3G>T variant is located in the 5' untranslated region (5&rsquo; UTR) of the SLC16A2 gene. This variant results from a G to T substitution 3 bases upstream from the first translated codon. This nucleotide position is not well conserved in available vertebrate species. Since supporting evidence is limited at this time, the clinical significance of this alteration remains unclear.